The following is an entry in ClinVar:

ClinVar aggregate classification (germline): Benign. Review status: criteria provided, multiple submitters, no conflicts (2 of 4 stars). 2 submissions from 2 submitters: Benign (2). Last evaluated 2018-01-12.

Conditions:
Deficiency of butyrylcholinesterase (BCHED). Also called: Butyrylcholinesterase deficiency; Deficiency of butyrylcholine esterase; BCHE, silent 1; Acholinesterasemia. Identifiers: Orphanet 132, MedGen C1283400, MONDO:0015270, OMIM 617936.

Allele frequency attached by ClinVar (database versions not stated): TOPMed 0.62815; gnomAD 0.63806 and 0.64545; 1000 Genomes Project 30x 0.64007; 1000 Genomes Project 0.64776; gnomAD exomes 0.71826.
gnomAD v4.1: 359,695 of 516,674 alleles (70%); highest among the groups gnomAD compares: East Asian, 79%; 128,233 homozygotes.

Submissions (2):

Illumina Laboratory Services, Illumina
Classification: Benign for Deficiency of butyrylcholinesterase. Last evaluated: 2018-01-12. Review status: criteria provided, single submitter. Criteria: ICSL Variant Classification Criteria 13 December 2019. Collection method: clinical testing. Allele origin: germline.
Comment: This variant was observed in the ICSL laboratory as part of a predisposition screen in an ostensibly healthy population. It had not been previously curated by ICSL or reported in the Human Gene Mutation Database (HGMD: prior to June 1st, 2018), and was therefore a candidate for classification through an automated scoring system. Utilizing variant allele frequency, disease prevalence and penetrance estimates, and inheritance mode, an automated score was calculated to assess if this variant is too frequent to cause the disease. Based on the score and internal cut-off values, a variant classified as benign is not then subjected to further curation. The score for this variant resulted in a classification of benign for this disease.

Breakthrough Genomics
Classification: Benign. Review status: criteria provided, single submitter. Criteria: ACMG Guidelines, 2015. Collection method: not provided. Allele origin: germline. Inheritance: Autosomal recessive inheritance. Affected: yes.

NM_000055.4(BCHE):c.*189G>A

Gene: BCHE (butyrylcholinesterase; minus strand). Cytogenetic location: 3q26.1.
Variant type: single nucleotide variant.
Coding change: c.*189G>A on transcript NM_000055.4 (MANE Select); 189 bases downstream of the stop codon, G replaced by A.
Molecular consequence: 3 prime UTR variant. On other transcripts: non-coding transcript variant (2).
Genome position (GRCh38, 1-based): chr3:165,773,193, C>T on the plus strand (G>A on the coding strand, the complement: BCHE is on the minus strand). VCF-style: chr3-165773193-C-T. GRCh37 (hg19) VCF-style: chr3-165490981-C-T.
Identifiers: ClinVar variation 344082 (VCV000344082.6), dbSNP rs3495, ClinGen allele CA10615256.